The following is an entry in ClinVar:

ClinVar aggregate classification (germline): Likely benign. Review status: criteria provided, multiple submitters, no conflicts (2 of 4 stars). 4 submissions from 4 submitters: Likely benign (3). 1 of the submissions does not count toward it. Last evaluated 2026-01-19.

Conditions:
ADGRV1-related disorder. Also called: ADGRV1-related condition; ADGRV1-related disorders.

Allele frequency attached by ClinVar (database versions not stated): TOPMed 0.00003; gnomAD exomes 0.00013; ExAC 0.00016.
gnomAD v4.1: 76 of 1,610,616 alleles (0.0047%); highest among the groups gnomAD compares: South Asian, 0.057%; 1 homozygote.

Submissions (4):

Labcorp Genetics (formerly Invitae), Labcorp
Classification: Likely benign. Last evaluated: 2026-01-19. Review status: criteria provided, single submitter. Criteria: Invitae Variant Classification Sherloc (09022015). Collection method: clinical testing. Allele origin: germline.

Blueprint Genetics
Classification: Likely benign. Last evaluated: 2024-07-08. Review status: criteria provided, single submitter. Criteria: ACMG Guidelines, 2015. Collection method: clinical testing. Allele origin: germline.

GeneDx
Classification: Likely benign. Last evaluated: 2020-01-17. Review status: criteria provided, single submitter. Criteria: GeneDx Variant Classification Process June 2021. Collection method: clinical testing. Allele origin: germline. Affected: yes.

PreventionGenetics, part of Exact Sciences
Classification: Likely benign for ADGRV1-related condition. Last evaluated: 2019-11-21. Review status: no assertion criteria provided. Collection method: clinical testing. Allele origin: germline. Not counted in ClinVar's aggregate classification.
Comment: This variant is classified as likely benign based on ACMG/AMP sequence variant interpretation guidelines (Richards et al. 2015 PMID: 25741868, with internal and published modifications).

NM_032119.4(ADGRV1):c.11346G>A (p.Ala3782=)

Gene: ADGRV1 (adhesion G protein-coupled receptor V1; plus strand). Cytogenetic location: 5q14.3.
Variant type: single nucleotide variant.
Coding change: c.11346G>A on transcript NM_032119.4 (MANE Select); coding-DNA position 11346, G replaced by A.
Protein change: p.Ala3782=; no amino-acid change (alanine 3782 retained).
Molecular consequence: synonymous variant. On other transcripts: non-coding transcript variant (1).
Genome position (GRCh38, 1-based): chr5:90,753,798, G>A. VCF-style: chr5-90753798-G-A. GRCh37 (hg19) VCF-style: chr5-90049615-G-A.
Identifiers: ClinVar variation 1088979 (VCV001088979.14), dbSNP rs375790811, ClinGen allele CA3340947.
Genomic context (GRCh38, chr5:90,753,798, plus strand): 5'-GTCTGTTATAACAACTTTGCCCAATGACTCACCTTTTGGCTTGGTGGGCTGGCGTGCTGC[G>A]TCTGTCTTCATTAGAGTAGCAGAGCCTAAAGGTAAATATTGTTAAATATCTTTCAAGTTT-3'
Protein context (NP_115495.3, residues 3772-3792): SPFGLVGWRA[Ala3782=]SVFIRVAEPK